The following is an entry in ClinVar:

NM_006204.4(PDE6C):c.2361_2363dup (p.Tyr788Ter)

Gene: PDE6C (phosphodiesterase 6C; plus strand). Cytogenetic location: 10q23.33.
Variant type: Duplication.
Coding change: c.2361_2363dup on transcript NM_006204.4 (MANE Select); coding-DNA positions 2361 to 2363, 3 bases duplicated (ATA; older notation c.2361_2363dupATA).
Protein change: p.Tyr788Ter; replaces tyrosine 788 with a stop codon.
Molecular consequence: nonsense.
Genome position (GRCh38, 1-based): chr10:93,662,637-93,662,639, ATA duplicated. VCF-style (leftmost placement, unchanged base first): chr10-93662636-T-TATA. GRCh37 (hg19) VCF-style: chr10-95422393-T-TATA.
Other names: NC_000010.10:g.95422394_95422396dup; NP_006195.3:p.(Tyr788Ter); short protein forms Y788*.
Identifiers: ClinVar variation 3381815 (VCV003381815.2).
Genomic context (GRCh38, chr10:93,662,636, plus strand): 5'-ACAAAAGAGATGAATTACCTAAACTTCAAGTTGGATTTATTGATTTTGTTTGTACTTTTG[T>TATA]ATATAAGGTAAGTAAGCAAATTATTTGAATTAAATACATAAACATTTGGATGAGAAATTT-3'

ClinVar aggregate classification (germline): Pathogenic (1 of 4 stars; one submission).

Conditions:
Retinal dystrophy. Also called: Inherited retinal dystrophy. Identifiers: Orphanet 71862, MedGen C0854723, MeSH D058499, MONDO:0019118, HP:0000556.

Submission:

Ophthalmic Genetics Group, Institute of Molecular and Clinical Ophthalmology Basel
Classification: Pathogenic for Retinal dystrophy. Last evaluated: 2024-05-27. Review status: criteria provided, single submitter. Criteria: ACMG Guidelines, 2015. Collection method: research. Allele origin: germline. Affected: yes. Observed: 2 variant alleles.
Comment: This variant was classified as Pathogenic based on ACMG criteria: PVS1_very_strong, PM2_sup and PM3_mod

Literature cited by the submitters: PubMed 40180963.